The following is an entry in ClinVar:

ClinVar aggregate classification (germline): Pathogenic (1 of 4 stars; one submission).

Conditions:
Gorlin syndrome. Also called: Nevoid Basal Cell Carcinoma Syndrome; Basal cell nevus syndrome. Identifiers: Orphanet 377, MedGen C0004779, MONDO:0007187.

Submission:

Labcorp Genetics (formerly Invitae), Labcorp
Classification: Pathogenic for Gorlin syndrome. Last evaluated: 2022-06-21. Review status: criteria provided, single submitter. Criteria: Invitae Variant Classification Sherloc (09022015). Collection method: clinical testing. Allele origin: germline.
Comment: For these reasons, this variant has been classified as Pathogenic. This variant has not been reported in the literature in individuals affected with PTCH1-related conditions. This variant is not present in population databases (gnomAD no frequency). This sequence change creates a premature translational stop signal (p.Gln576*) in the PTCH1 gene. It is expected to result in an absent or disrupted protein product. Loss-of-function variants in PTCH1 are known to be pathogenic (PMID: 16301862, 16419085).

Literature cited by the submitters: PubMed 16301862; PubMed 16419085.

NM_000264.5(PTCH1):c.1726C>T (p.Gln576Ter)

Gene: PTCH1 (patched 1; minus strand). Cytogenetic location: 9q22.32.
Variant type: single nucleotide variant.
Coding change: c.1726C>T on transcript NM_000264.5 (MANE Select); coding-DNA position 1726, C replaced by T.
Protein change: p.Gln576Ter; replaces glutamine 576 with a stop codon.
Molecular consequence: nonsense. On other transcripts: non-coding transcript variant (1).
Genome position (GRCh38, 1-based): chr9:95,476,036, G>A on the plus strand (C>T on the coding strand, the complement: PTCH1 is on the minus strand). VCF-style: chr9-95476036-G-A. GRCh37 (hg19) VCF-style: chr9-98238318-G-A.
Other names: c.1273C>T, p.Gln425Ter (NM_001083606.3, NM_001083607.3, NM_001083604.3 and 1 more transcripts); c.1570C>T, p.Gln524Ter (NM_001354918.2); c.1528C>T, p.Gln510Ter (NM_001083602.3); c.1723C>T, p.Gln575Ter (NM_001083603.3); short protein forms Q510*, Q425*, Q575*, Q576*, Q524*.
Identifiers: ClinVar variation 1937069 (VCV001937069.5), dbSNP rs2118248031, ClinGen allele CA374117876.